The following is an entry in ClinVar:

ClinVar aggregate classification (germline): Uncertain significance (1 of 4 stars; one submission).

Conditions:
Dyskeratosis congenita, autosomal dominant 6 (DKCA6). Identifiers: Orphanet 3322, MedGen C4225284, MONDO:0014690, OMIM 616553.

Submission:

Labcorp Genetics (formerly Invitae), Labcorp
Classification: Uncertain significance for Dyskeratosis congenita, autosomal dominant 6. Last evaluated: 2021-07-29. Review status: criteria provided, single submitter. Criteria: Invitae Variant Classification Sherloc (09022015). Collection method: clinical testing. Allele origin: germline.
Comment: In summary, the available evidence is currently insufficient to determine the role of this variant in disease. Therefore, it has been classified as a Variant of Uncertain Significance. Experimental studies and prediction algorithms are not available or were not evaluated, and the functional significance of this variant is currently unknown. This variant has not been reported in the literature in individuals affected with ACD-related conditions. This variant is not present in population databases (ExAC no frequency). This variant, c.173_190del, results in the deletion of 6 amino acid(s) of the ACD protein (p.Lys58_Pro63del), but otherwise preserves the integrity of the reading frame.

NC_000016.10:g.67660292_67660309del

Gene: ACD (ACD shelterin complex subunit and telomerase recruitment factor; minus strand). Cytogenetic location: 16q22.1.
Variant type: Deletion.
Genome position: GRCh38 VCF-style: chr16-67660288-CTCGGAAGAGGAAGCTCCT-C. GRCh37 (hg19) VCF-style: chr16-67694191-CTCGGAAGAGGAAGCTCCT-C.
Identifiers: ClinVar variation 1443047 (VCV001443047.6), dbSNP rs1185708088, ClinGen allele CA623120864.